The following is an entry in ClinVar:

ClinVar aggregate classification (germline): Uncertain significance (1 of 4 stars; one submission).

Conditions:
Familial thoracic aortic aneurysm and aortic dissection (TAAD). Also called: Thoracic aortic aneurysms and dissections. Identifiers: Orphanet 91387, MedGen C4707243, MONDO:0019625.

Submission:

Ambry Genetics
Classification: Uncertain significance for Familial thoracic aortic aneurysm and aortic dissection. Last evaluated: 2026-07-26. Review status: criteria provided, single submitter. Criteria: Ambry Variant Classification Scheme 2023. Collection method: clinical testing. Allele origin: germline.
Comment: The p.Q640K variant (also known as c.1918C>A), located in coding exon 28 of the COL5A2 gene, results from a C to A substitution at nucleotide position 1918. The glutamine at codon 640 is replaced by lysine, an amino acid with similar properties. This amino acid position is conserved. In addition, this alteration is predicted to be deleterious by in silico analysis. Based on the available evidence, the clinical significance of this variant remains unclear.

NM_000393.5(COL5A2):c.1918C>A (p.Gln640Lys)

Gene: COL5A2 (collagen type V alpha 2 chain; minus strand). Cytogenetic location: 2q32.2.
Variant type: single nucleotide variant.
Coding change: c.1918C>A on transcript NM_000393.5 (MANE Select); coding-DNA position 1918, C replaced by A.
Protein change: p.Gln640Lys; replaces glutamine 640 with lysine.
Molecular consequence: missense variant.
Genome position (GRCh38, 1-based): chr2:189,063,015, G>T on the plus strand (C>A on the coding strand, the complement: COL5A2 is on the minus strand). VCF-style: chr2-189063015-G-T. GRCh37 (hg19) VCF-style: chr2-189927741-G-T.
Other names: short protein forms Q640K.
Identifiers: ClinVar variation 5034837 (VCV005034837.1).
Genomic context (GRCh38, chr2:189,063,015, plus strand): 5'-TGATAATTTAAATAGTACCTACATTATTTTTCTTTAGCAGAAAATGTATATTTACCCTCT[G>T]CCCAGGAACTCCAGCATTTCCTGCTTCTCCAGGTTTCCCAGGGTCACCCTAAAGAATAAA-3'
Protein context (NP_000384.2, residues 630-650): GEAGNAGVPG[Gln640Lys]RGAPGKDGEV